The following is an entry in ClinVar:

ClinVar aggregate classification (germline): Pathogenic (1 of 4 stars; one submission).

Submission:

Labcorp Genetics (formerly Invitae), Labcorp
Classification: Pathogenic. Last evaluated: 2023-03-10. Review status: criteria provided, single submitter. Criteria: Invitae Variant Classification Sherloc (09022015). Collection method: clinical testing. Allele origin: germline.
Comment: For these reasons, this variant has been classified as Pathogenic. This variant has not been reported in the literature in individuals affected with TK2-related conditions. This sequence change creates a premature translational stop signal (p.Tyr190Thrfs*4) in the TK2 gene. It is expected to result in an absent or disrupted protein product. Loss-of-function variants in TK2 are known to be pathogenic (PMID: 20421844). This variant is not present in population databases (gnomAD no frequency).

Literature cited by the submitters: PubMed 20421844.

NM_004614.5(TK2):c.568del (p.Tyr190fs)

Gene: TK2 (thymidine kinase 2; minus strand). Cytogenetic location: 16q21.
Variant type: Deletion.
Coding change: c.568del on transcript NM_004614.5 (MANE Select); coding-DNA position 568, one base deleted (T; older notation c.568delT).
Protein change: p.Tyr190fs; shifts the reading frame from tyrosine 190.
Molecular consequence: frameshift variant. On other transcripts: non-coding transcript variant (1), intron variant (1).
Genome position (GRCh38, 1-based): chr16:66,517,186, A deleted on the plus strand (T on the coding strand, the reverse complement: TK2 is on the minus strand); the first of 2 consecutive A bases (chr16:66,517,186-66,517,187); deleting either gives the same sequence. VCF-style (leftmost placement, unchanged base first): chr16-66517185-TA-T. GRCh37 (hg19) VCF-style: chr16-66551088-TA-T.
Other names: c.475del, p.Tyr159fs (NM_001172643.1); c.493del, p.Tyr165fs (NM_001172644.2); c.514del, p.Tyr172fs (NM_001172645.2); c.421del, p.Tyr141fs (NM_001271934.2); c.277del, p.Tyr93fs (NM_001272050.2); c.357-3375del (NM_001271935.1); short protein forms Y165fs, Y172fs, Y93fs, Y141fs, Y159fs, Y190fs.
Identifiers: ClinVar variation 2844746 (VCV002844746.3), dbSNP rs2507088209, ClinGen allele CA2739266828.